The following is an entry in ClinVar:

NM_000018.4(ACADVL):c.1183-6C>T

Gene: ACADVL (acyl-CoA dehydrogenase very long chain; plus strand). Cytogenetic location: 17p13.1.
Variant type: single nucleotide variant.
Coding change: c.1183-6C>T on transcript NM_000018.4 (MANE Select); 6 bases into the intron before coding-DNA position 1183, C replaced by T.
Molecular consequence: intron variant.
Genome position (GRCh38, 1-based): chr17:7,223,638, C>T. VCF-style: chr17-7223638-C-T. GRCh37 (hg19) VCF-style: chr17-7126957-C-T.
Other names: c.955-6C>T (NM_001270448.2); c.1117-6C>T (NM_001033859.3); c.1252-6C>T (NM_001270447.2); c.1183-6C>T (NM_000018.3).
Identifiers: ClinVar variation 1155270 (VCV001155270.11), dbSNP rs1184450028, ClinGen allele CA624861309.
Genomic context (GRCh38, chr17:7,223,638, plus strand): 5'-GATGAGGCCAAGTCTGACAAAGCCCTTTGCAATTTTCCTTCCCATGTCCCAACTATGCAA[C>T]CTCAGTCCATGGCTTACATGGTGAGTGCTAACATGGACCAGGGAGCCACGGACTTCCAGA-3'

ClinVar aggregate classification (germline): Likely benign. Review status: criteria provided, single submitter (1 of 4 stars). 2 submissions from 2 submitters: Likely benign (1). 1 of the submissions does not count toward it. Last evaluated 2025-12-19.

Conditions:
Very long chain acyl-CoA dehydrogenase deficiency (ACADVLD). Also called: Very Long-Chain Acyl-Coenzyme A Dehydrogenase Deficiency; VLCAD Deficiency. Identifiers: Orphanet 26793, MedGen C3887523, MONDO:0008723, OMIM 201475.
ACADVL-related disorder. Also called: ACADVL-related condition.

Allele frequency attached by ClinVar (database versions not stated): gnomAD 0.00001; gnomAD exomes 0.00001 and 0.00002.
gnomAD v4.1: 7 of 1,613,950 alleles (0.00043%); highest among the groups gnomAD compares: Admixed American, 0.0083%; no homozygotes.

Submissions (2):

Labcorp Genetics (formerly Invitae), Labcorp
Classification: Likely benign for Very long chain acyl-CoA dehydrogenase deficiency. Last evaluated: 2025-12-19. Review status: criteria provided, single submitter. Criteria: Invitae Variant Classification Sherloc (09022015). Collection method: clinical testing. Allele origin: germline.

PreventionGenetics, part of Exact Sciences
Classification: Likely benign for ACADVL-related condition. Last evaluated: 2023-12-11. Review status: no assertion criteria provided. Collection method: clinical testing. Allele origin: germline. Not counted in ClinVar's aggregate classification.
Comment: This variant is classified as likely benign based on ACMG/AMP sequence variant interpretation guidelines (Richards et al. 2015 PMID: 25741868, with internal and published modifications).